The following is an entry in ClinVar:

NM_152703.5(SAMD9L):c.839C>A (p.Ala280Asp)

Gene: SAMD9L (sterile alpha motif domain containing 9 like; minus strand). Cytogenetic location: 7q21.2.
Variant type: single nucleotide variant.
Coding change: c.839C>A on transcript NM_152703.5 (MANE Select); coding-DNA position 839, C replaced by A.
Protein change: p.Ala280Asp; replaces alanine 280 with aspartic acid.
Molecular consequence: missense variant.
Genome position (GRCh38, 1-based): chr7:93,135,133, G>T on the plus strand (C>A on the coding strand, the complement: SAMD9L is on the minus strand). VCF-style: chr7-93135133-G-T. GRCh37 (hg19) VCF-style: chr7-92764446-G-T.
Other names: c.839C>A (NM_152703.2); c.839C>A, p.Ala280Asp (NM_001303496.3, NM_001303497.3, NM_001303498.3 and 5 more transcripts); short protein forms A280D.
Identifiers: ClinVar variation 2713988 (VCV002713988.4), dbSNP rs756137688, ClinGen allele CA368200471.

ClinVar aggregate classification (germline): Uncertain significance. Review status: criteria provided, multiple submitters, no conflicts (2 of 4 stars). 2 submissions from 2 submitters: Uncertain significance (2). Last evaluated 2026-01-26.

Conditions:
Inborn genetic diseases. Identifiers: MedGen C0950123, MeSH D030342.

gnomAD v4.1: 2 of 1,612,542 alleles (0.00012%); highest among the groups gnomAD compares: East Asian, 0.0045%; no homozygotes.

Submissions (2):

Labcorp Genetics (formerly Invitae), Labcorp
Classification: Uncertain significance. Last evaluated: 2026-01-26. Review status: criteria provided, single submitter. Criteria: Invitae Variant Classification Sherloc (09022015). Collection method: clinical testing. Allele origin: germline.
Comment: This sequence change replaces alanine, which is neutral and non-polar, with aspartic acid, which is acidic and polar, at codon 280 of the SAMD9L protein (p.Ala280Asp). This variant is not present in population databases (gnomAD no frequency). This variant has not been reported in the literature in individuals affected with SAMD9L-related conditions. ClinVar contains an entry for this variant (Variation ID: 2713988). An algorithm developed to predict the effect of missense changes on protein structure and function (PolyPhen-2) suggests that this variant is likely to be disruptive. In summary, the available evidence is currently insufficient to determine the role of this variant in disease. Therefore, it has been classified as a Variant of Uncertain Significance.

Ambry Genetics
Classification: Uncertain significance for Inborn genetic diseases. Last evaluated: 2025-04-09. Review status: criteria provided, single submitter. Criteria: Ambry Variant Classification Scheme 2023. Collection method: clinical testing. Allele origin: germline.
Comment: The p.A280D variant (also known as c.839C>A), located in coding exon 1 of the SAMD9L gene, results from a C to A substitution at nucleotide position 839. The alanine at codon 280 is replaced by aspartic acid, an amino acid with dissimilar properties. This amino acid position is conserved. In addition, the in silico prediction for this alteration is inconclusive. Based on the available evidence, the clinical significance of this variant remains unclear.